The following is an entry in ClinVar:

NM_024642.5(GALNT12):c.766del (p.Pro255_Val256insTer)

Gene: GALNT12 (polypeptide N-acetylgalactosaminyltransferase 12; plus strand). Cytogenetic location: 9q22.33.
Variant type: Deletion.
Coding change: c.766del on transcript NM_024642.5 (MANE Select); coding-DNA position 766, one base deleted (G; older notation c.766delG).
Protein change: p.Pro255_Val256insTer.
Molecular consequence: nonsense.
Genome position (GRCh38, 1-based): chr9:98,831,806, G deleted; the last of 2 consecutive G bases (chr9:98,831,805-98,831,806); deleting either gives the same sequence. VCF-style (leftmost placement, unchanged base first): chr9-98831804-CG-C. GRCh37 (hg19) VCF-style: chr9-101594086-CG-C.
Identifiers: ClinVar variation 1760062 (VCV001760062.2), dbSNP rs2490517240, ClinGen allele CA2580080817.

ClinVar aggregate classification (germline): Uncertain significance (1 of 4 stars; one submission).

Submission:

Ambry Genetics
Classification: Uncertain significance. Last evaluated: 2022-08-03. Review status: criteria provided, single submitter. Criteria: Ambry Variant Classification Scheme 2023. Collection method: clinical testing. Allele origin: germline.
Comment: The c.766delG variant, located in coding exon 4 of the GALNT12 gene, results from a deletion of one nucleotide at nucleotide position 766, causing a translational frameshift with a predicted alternate stop codon (p.V256*). This alteration is expected to result in loss of function by premature protein truncation or nonsense-mediated mRNA decay. The evidence for this gene-disease relationship is limited; therefore, the clinical significance of this alteration is unclear.